The following is an entry in ClinVar:

ClinVar aggregate classification (germline): Benign. Review status: criteria provided, multiple submitters, no conflicts (2 of 4 stars). 2 submissions from 2 submitters: Benign (2). Last evaluated 2018-01-13.

Conditions:
Deficiency of 2-methylbutyryl-CoA dehydrogenase (ACADSB). Also called: 2-methylbutyryl-CoA dehydrogenase deficiency; SBCAD deficiency; 2-methylbutyric aciduria; Short branched-chain acyl-CoA dehydrogenase deficiency; 2-methylbutyrylglycinuria. Identifiers: Orphanet 79157, MedGen C1864912, MONDO:0012392, OMIM 610006, HP:0020147.

Allele frequency attached by ClinVar (database versions not stated): gnomAD 0.01260 and 0.01294; 1000 Genomes Project 0.00659; 1000 Genomes Project 30x 0.00687; TOPMed 0.01095.

Submissions (2):

Illumina Laboratory Services, Illumina
Classification: Benign for Deficiency of 2-methylbutyryl-CoA dehydrogenase. Last evaluated: 2018-01-13. Review status: criteria provided, single submitter. Criteria: ICSL Variant Classification Criteria 13 December 2019. Collection method: clinical testing. Allele origin: germline.
Comment: This variant was observed in the ICSL laboratory as part of a predisposition screen in an ostensibly healthy population. It had not been previously curated by ICSL or reported in the Human Gene Mutation Database (HGMD: prior to June 1st, 2018), and was therefore a candidate for classification through an automated scoring system. Utilizing variant allele frequency, disease prevalence and penetrance estimates, and inheritance mode, an automated score was calculated to assess if this variant is too frequent to cause the disease. Based on the score and internal cut-off values, a variant classified as benign is not then subjected to further curation. The score for this variant resulted in a classification of benign for this disease.

Breakthrough Genomics
Classification: Benign. Review status: criteria provided, single submitter. Criteria: ACMG Guidelines, 2015. Collection method: not provided. Allele origin: germline. Inheritance: Autosomal recessive inheritance. Affected: yes.

NM_001609.3(ACADSB):c.-97T>C

Gene: ACADSB (acyl-CoA dehydrogenase short/branched chain; plus strand). Cytogenetic location: 10q26.13.
Variant type: single nucleotide variant.
Coding change: c.-97T>C on transcript NM_001609.3; 97 bases upstream of the start codon, T replaced by C.
Genome position (GRCh38, 1-based): chr10:123,008,933, T>C. VCF-style: chr10-123008933-T-C. GRCh37 (hg19) VCF-style: chr10-124768449-T-C.
Identifiers: ClinVar variation 299063 (VCV000299063.8), dbSNP rs148327034, ClinGen allele CA10631103.